The following is an entry in ClinVar:

ClinVar aggregate classification (germline): Uncertain significance (1 of 4 stars; one submission).

gnomAD v4.1: 1 of 1,614,138 alleles (0.000062%); highest among the groups gnomAD compares: Non-Finnish European, 0.000085%; no homozygotes.

Submission:

CeGaT Center for Human Genetics Tuebingen
Classification: Uncertain significance. Last evaluated: 2024-11-01. Review status: criteria provided, single submitter. Criteria: CeGaT Center For Human Genetics Tuebingen Variant Classification Criteria Version 2. Collection method: clinical testing. Allele origin: germline. Affected: yes. Observed: 1 variant allele.
Comment: DYNC1H1: PM2:Supporting, PP2

NM_001376.5(DYNC1H1):c.10810T>C (p.Tyr3604His)

Gene: DYNC1H1 (dynein cytoplasmic 1 heavy chain 1; plus strand). Cytogenetic location: 14q32.31.
Variant type: single nucleotide variant.
Coding change: c.10810T>C on transcript NM_001376.5 (MANE Select); coding-DNA position 10810, T replaced by C.
Protein change: p.Tyr3604His; replaces tyrosine 3604 with histidine.
Molecular consequence: missense variant.
Genome position (GRCh38, 1-based): chr14:102,036,544, T>C. VCF-style: chr14-102036544-T-C. GRCh37 (hg19) VCF-style: chr14-102502881-T-C.
Other names: short protein forms Y3604H.
Identifiers: ClinVar variation 3390125 (VCV003390125.14).